The following is an entry in ClinVar:

NM_058195.4(CDKN2A):c.22A>T (p.Thr8Ser)

Gene: CDKN2A (cyclin dependent kinase inhibitor 2A; minus strand). Cytogenetic location: 9p21.3.
Variant type: single nucleotide variant.
Coding change: c.22A>T on transcript NM_058195.4 (MANE Plus Clinical); coding-DNA position 22, A replaced by T.
Protein change: p.Thr8Ser; replaces threonine 8 with serine.
Molecular consequence: missense variant. On other transcripts: intron variant (1).
Genome position (GRCh38, 1-based): chr9:21,994,310, T>A on the plus strand (A>T on the coding strand, the complement: CDKN2A is on the minus strand). VCF-style: chr9-21994310-T-A. GRCh37 (hg19) VCF-style: chr9-21994309-T-A.
Other names: c.-4+511A>T (NM_001363763.2); short protein forms T8S.
Identifiers: ClinVar variation 970692 (VCV000970692.7), dbSNP rs1820536864, ClinGen allele CA373087094.

ClinVar aggregate classification (germline): Uncertain significance. Review status: criteria provided, multiple submitters, no conflicts (2 of 4 stars). 2 submissions from 2 submitters: Uncertain significance (2). Last evaluated 2025-04-21.

Conditions:
Hereditary cancer-predisposing syndrome. Also called: Tumor predisposition; Neoplastic Syndromes, Hereditary; Hereditary neoplastic syndrome; Hereditary Cancer Syndrome. Identifiers: Orphanet 140162, MedGen C0027672, MeSH D009386, MONDO:0015356.
Familial melanoma. Also called: Hereditary melanoma; Hereditary cutaneous melanoma. Identifiers: Orphanet 618, MedGen C1512419, MONDO:0018961.

Submissions (2):

Ambry Genetics
Classification: Uncertain significance for Hereditary cancer-predisposing syndrome. Last evaluated: 2025-04-21. Review status: criteria provided, single submitter. Criteria: Ambry Variant Classification Scheme 2023. Collection method: clinical testing. Allele origin: germline.
Comment: The p.T8S variant (also known as c.22A>T), located in coding exon 1 of the CDKN2A (p14ARF) gene, results from an A to T substitution at nucleotide position 22. The threonine at codon 8 is replaced by serine, an amino acid with similar properties. This amino acid position is highly conserved in available vertebrate species. In addition, the in silico prediction for this alteration is inconclusive. Based on the available evidence, the clinical significance of this variant remains unclear.

Labcorp Genetics (formerly Invitae), Labcorp
Classification: Uncertain significance for Familial melanoma. Last evaluated: 2021-07-13. Review status: criteria provided, single submitter. Criteria: Invitae Variant Classification Sherloc (09022015). Collection method: clinical testing. Allele origin: germline.